The following is an entry in ClinVar:

NM_203446.3(SYNJ1):c.-56_-55delinsAT

Gene: SYNJ1 (synaptojanin 1; minus strand). Cytogenetic location: 21q22.11.
Variant type: Indel.
Coding change: c.-56_-55delinsAT on transcript NM_203446.3 (MANE Select); 56 bases upstream of the start codon through 55 bases upstream of the start codon, GC replaced by AT.
Molecular consequence: 5 prime UTR variant. On other transcripts: missense variant (1).
Genome position (GRCh38, 1-based): chr21:32,727,978-32,727,979, GC replaced by AT on the plus strand (GC replaced by AT on the coding strand, the reverse complement: SYNJ1 is on the minus strand). VCF-style: chr21-32727978-GC-AT. GRCh37 (hg19) VCF-style: chr21-34100289-GC-AT.
Other names: c.62_63delGCinsAT, p.Cys21Tyr (NM_003895.4); short protein forms C21Y.
Identifiers: ClinVar variation 1016364 (VCV001016364.7), dbSNP rs2043553723, ClinGen allele CA2386355343.

ClinVar aggregate classification (germline): Uncertain significance (1 of 4 stars; one submission).

Conditions:
Early-onset Parkinson disease 20. Also called: PARKINSON DISEASE 20, AUTOSOMAL RECESSIVE EARLY-ONSET. Identifiers: Orphanet 391411, MedGen C3809824, MONDO:0014233, OMIM 615530.
Developmental and epileptic encephalopathy, 53. Also called: Epileptic encephalopathy, early infantile, 53. Identifiers: MedGen C4479313, MONDO:0033362, OMIM 617389.

Submission:

Labcorp Genetics (formerly Invitae), Labcorp
Classification: Uncertain significance for Developmental and epileptic encephalopathy, 53; Early-onset Parkinson disease 20. Last evaluated: 2020-07-26. Review status: criteria provided, single submitter. Criteria: Invitae Variant Classification Sherloc (09022015). Collection method: clinical testing. Allele origin: germline.
Comment: In summary, the available evidence is currently insufficient to determine the role of this variant in disease. Therefore, it has been classified as a Variant of Uncertain Significance. Algorithms developed to predict the effect of missense changes on protein structure and function are either unavailable or do not agree on the potential impact of this missense change (SIFT: "Not Available"; PolyPhen-2: "Benign"; Align-GVGD: "Not Available"). This variant has not been reported in the literature in individuals with SYNJ1-related conditions. The frequency data for this variant in the population databases is considered unreliable, as metrics indicate insufficient coverage at this position in the ExAC database. This sequence change replaces cysteine with tyrosine at codon 21 of the SYNJ1 protein (p.Cys21Tyr). The cysteine residue is weakly conserved and there is a large physicochemical difference between cysteine and tyrosine.